The following is an entry in ClinVar:

ClinVar aggregate classification (germline): Uncertain significance (1 of 4 stars; one submission).

Conditions:
Jeune thoracic dystrophy. Also called: Short-rib thoracic dysplasia; Jeune syndrome; Infantile thoracic dystrophy; Thoracic pelvic phalangeal dystrophy; Jeune's syndrome; Chondroectodermal dysplasia-like syndrome. Identifiers: Orphanet 474, MedGen C0265275, MONDO:0018770.
Nephronophthisis. Also called: Juvenile Nephronophthisis. Identifiers: Orphanet 655, MedGen C0687120, MONDO:0019005, HP:0000090.

Submission:

Labcorp Genetics (formerly Invitae), Labcorp
Classification: Uncertain significance for Jeune thoracic dystrophy; Nephronophthisis. Last evaluated: 2024-10-22. Review status: criteria provided, single submitter. Criteria: Invitae Variant Classification Sherloc (09022015). Collection method: clinical testing. Allele origin: germline.
Comment: This sequence change replaces asparagine, which is neutral and polar, with lysine, which is basic and polar, at codon 86 of the TTC21B protein (p.Asn86Lys). This variant is not present in population databases (gnomAD no frequency). This variant has not been reported in the literature in individuals affected with TTC21B-related conditions. ClinVar contains an entry for this variant (Variation ID: 1472292). Invitae Evidence Modeling of protein sequence and biophysical properties (such as structural, functional, and spatial information, amino acid conservation, physicochemical variation, residue mobility, and thermodynamic stability) indicates that this missense variant is not expected to disrupt TTC21B protein function with a negative predictive value of 95%. In summary, the available evidence is currently insufficient to determine the role of this variant in disease. Therefore, it has been classified as a Variant of Uncertain Significance.

NM_024753.5(TTC21B):c.258T>G (p.Asn86Lys)

Gene: TTC21B (tetratricopeptide repeat domain 21B; minus strand). Cytogenetic location: 2q24.3.
Variant type: single nucleotide variant.
Coding change: c.258T>G on transcript NM_024753.5 (MANE Select); coding-DNA position 258, T replaced by G.
Protein change: p.Asn86Lys; replaces asparagine 86 with lysine.
Molecular consequence: missense variant.
Genome position (GRCh38, 1-based): chr2:165,949,398, A>C on the plus strand (T>G on the coding strand, the complement: TTC21B is on the minus strand). VCF-style: chr2-165949398-A-C. GRCh37 (hg19) VCF-style: chr2-166805908-A-C.
Other names: short protein forms N86K.
Identifiers: ClinVar variation 1472292 (VCV001472292.8), dbSNP rs2105370137, ClinGen allele CA349055340.